The following is an entry in ClinVar:

NM_014738.6(TMEM94):c.3820C>T (p.Pro1274Ser)

Gene: TMEM94 (transmembrane protein 94; plus strand). Cytogenetic location: 17q25.1.
Variant type: single nucleotide variant.
Coding change: c.3820C>T on transcript NM_014738.6 (MANE Select); coding-DNA position 3820, C replaced by T.
Protein change: p.Pro1274Ser; replaces proline 1274 with serine.
Molecular consequence: missense variant.
Genome position (GRCh38, 1-based): chr17:75,498,715, C>T. VCF-style: chr17-75498715-C-T. GRCh37 (hg19) VCF-style: chr17-73494796-C-T.
Other names: c.3850C>T, p.Pro1284Ser (NM_001321148.2); c.3832C>T, p.Pro1278Ser (NM_001321149.2); c.3772C>T, p.Pro1258Ser (NM_001351202.2); c.3847C>T, p.Pro1283Ser (NM_001351203.2); short protein forms P1258S, P1274S, P1278S, P1283S, P1284S.
Identifiers: ClinVar variation 2648261 (VCV002648261.24), dbSNP rs2546085412, ClinGen allele CA401018236.

ClinVar aggregate classification (germline): Uncertain significance (1 of 4 stars; one submission).

Submission:

CeGaT Center for Human Genetics Tuebingen
Classification: Uncertain significance. Last evaluated: 2025-01-01. Review status: criteria provided, single submitter. Criteria: CeGaT Center For Human Genetics Tuebingen Variant Classification Criteria Version 2. Collection method: clinical testing. Allele origin: germline. Affected: yes. Observed: 2 variant alleles.
Comment: TMEM94: PM2, BP1, BP5